The following is an entry in ClinVar:

NM_032043.3(BRIP1):c.3636_3645del (p.Asn1212fs)

Gene: BRIP1 (BRCA1 interacting DNA helicase 1; minus strand). Cytogenetic location: 17q23.2.
Variant type: Deletion.
Coding change: c.3636_3645del on transcript NM_032043.3 (MANE Select); coding-DNA positions 3636 to 3645, 10 bases deleted (TGTAAAAACA; older notation c.3636_3645delTGTAAAAACA).
Protein change: p.Asn1212fs; shifts the reading frame from asparagine 1212.
Molecular consequence: frameshift variant.
Genome position (GRCh38, 1-based): chr17:61,683,401-61,683,410, TGTTTTTACA deleted on the plus strand (TGTAAAAACA on the coding strand, the reverse complement: BRIP1 is on the minus strand); deleting any 10 consecutive bases within chr17:61,683,401-61,683,411 gives the same sequence; the c. name uses the placement nearest the transcript's 3' end. VCF-style (leftmost placement, unchanged base first): chr17-61683400-TTGTTTTTACA-T. GRCh37 (hg19) VCF-style: chr17-59760761-TTGTTTTTACA-T.
Other names: short protein forms N1212fs.
Identifiers: ClinVar variation 4085809 (VCV004085809.8).

ClinVar aggregate classification (germline): Uncertain significance (1 of 4 stars; one submission).

Submission:

CeGaT Center for Human Genetics Tuebingen
Classification: Uncertain significance. Last evaluated: 2025-08-01. Review status: criteria provided, single submitter. Criteria: CeGaT Center For Human Genetics Tuebingen Variant Classification Criteria Version 2. Collection method: clinical testing. Allele origin: germline. Affected: yes. Observed: 1 variant allele.
Comment: BRIP1: PM2, PVS1:Moderate